The following is an entry in ClinVar:

NM_001194998.2(CEP152):c.3970C>T (p.Gln1324Ter)

Gene: CEP152 (centrosomal protein 152; minus strand). Cytogenetic location: 15q21.1.
Variant type: single nucleotide variant.
Coding change: c.3970C>T on transcript NM_001194998.2 (MANE Select); coding-DNA position 3970, C replaced by T.
Protein change: p.Gln1324Ter; replaces glutamine 1324 with a stop codon.
Molecular consequence: nonsense.
Genome position (GRCh38, 1-based): chr15:48,741,966, G>A on the plus strand (C>T on the coding strand, the complement: CEP152 is on the minus strand). VCF-style: chr15-48741966-G-A. GRCh37 (hg19) VCF-style: chr15-49034163-G-A.
Other names: c.3802C>T, p.Gln1268Ter (NM_014985.4); short protein forms Q1268*, Q1324*.
Identifiers: ClinVar variation 2974778 (VCV002974778.3), dbSNP rs1449447538, ClinGen allele CA392337544.

ClinVar aggregate classification (germline): Pathogenic (1 of 4 stars; one submission).

Allele frequency attached by ClinVar (database versions not stated): gnomAD 0.00001; TOPMed 0.00001.
gnomAD v4.1: 1 of 1,614,024 alleles (0.000062%); highest among the groups gnomAD compares: East Asian, 0.0022%; no homozygotes.

Submission:

Labcorp Genetics (formerly Invitae), Labcorp
Classification: Pathogenic. Last evaluated: 2023-10-10. Review status: criteria provided, single submitter. Criteria: Invitae Variant Classification Sherloc (09022015). Collection method: clinical testing. Allele origin: germline.
Comment: This sequence change creates a premature translational stop signal (p.Gln1268*) in the CEP152 gene. It is expected to result in an absent or disrupted protein product. Loss-of-function variants in CEP152 are known to be pathogenic (PMID: 21131973). This variant is not present in population databases (gnomAD no frequency). This variant has not been reported in the literature in individuals affected with CEP152-related conditions. For these reasons, this variant has been classified as Pathogenic.

Literature cited by the submitters: PubMed 21131973.